The following is an entry in ClinVar:

ClinVar aggregate classification (germline): Uncertain significance (1 of 4 stars; one submission).

gnomAD v4.1: 8 of 1,550,656 alleles (0.00052%); highest among the groups gnomAD compares: Non-Finnish European, 0.0007%; no homozygotes.

Submission:

Labcorp Genetics (formerly Invitae), Labcorp
Classification: Uncertain significance. Last evaluated: 2022-02-01. Review status: criteria provided, single submitter. Criteria: Invitae Variant Classification Sherloc (09022015). Collection method: clinical testing. Allele origin: germline.
Comment: This sequence change replaces aspartic acid, which is acidic and polar, with glycine, which is neutral and non-polar, at codon 1662 of the EYS protein (p.Asp1662Gly). This variant is present in population databases (no rsID available, gnomAD 0.002%). This variant has not been reported in the literature in individuals affected with EYS-related conditions. Algorithms developed to predict the effect of missense changes on protein structure and function output the following: SIFT: "Tolerated"; PolyPhen-2: "Benign"; Align-GVGD: "Class C0". The glycine amino acid residue is found in multiple mammalian species, which suggests that this missense change does not adversely affect protein function. Algorithms developed to predict the effect of sequence changes on RNA splicing suggest that this variant may create or strengthen a splice site. In summary, the available evidence is currently insufficient to determine the role of this variant in disease. Therefore, it has been classified as a Variant of Uncertain Significance.

NM_001142800.2(EYS):c.4985A>G (p.Asp1662Gly)

Gene: EYS (eyes shut homolog; minus strand). Cytogenetic location: 6q12.
Variant type: single nucleotide variant.
Coding change: c.4985A>G on transcript NM_001142800.2 (MANE Select); coding-DNA position 4985, A replaced by G.
Protein change: p.Asp1662Gly; replaces aspartic acid 1662 with glycine.
Molecular consequence: missense variant.
Genome position (GRCh38, 1-based): chr6:64,590,882, T>C on the plus strand (A>G on the coding strand, the complement: EYS is on the minus strand). VCF-style: chr6-64590882-T-C. GRCh37 (hg19) VCF-style: chr6-65300775-T-C.
Other names: c.4985A>G, p.Asp1662Gly (NM_001292009.2); short protein forms D1662G.
Identifiers: ClinVar variation 1958492 (VCV001958492.2), dbSNP rs147641443, ClinGen allele CA364782108.
Genomic context (GRCh38, chr6:64,590,882, plus strand): 5'-TCAGAATTCATCAAGTCTGAAGAGATAGTTTGTGAAGGGACAATGGATAAACAAGTCTTA[T>C]CCAAACATAAATTAACATCCAAATTACTTGATAGGGTAATGGATTCTTCCAAGGATGAGG-3'
Protein context (NP_001136272.1, residues 1652-1672): SSNLDVNLCL[Asp1662Gly]KTCLSIVPSQ